The following is an entry in ClinVar:

NM_002016.2(FLG):c.1217C>T (p.Ser406Leu)

Genes: CCDST (cervical cancer associated DHX9 suppressive transcript; plus strand), FLG (filaggrin; minus strand). Cytogenetic location: 1q21.3.
Variant type: single nucleotide variant.
Coding change: c.1217C>T on transcript NM_002016.2 (MANE Select); coding-DNA position 1217, C replaced by T.
Protein change: p.Ser406Leu; replaces serine 406 with leucine.
Molecular consequence: missense variant. On other transcripts: non-coding transcript variant (1).
Genome position (GRCh38, 1-based): chr1:152,313,669, G>A on the plus strand (C>T on the coding strand, the complement: FLG is on the minus strand). VCF-style: chr1-152313669-G-A. GRCh37 (hg19) VCF-style: chr1-152286145-G-A.
Other names: short protein forms S406L.
Identifiers: ClinVar variation 3892191 (VCV003892191.7).
Genomic context (GRCh38, chr1:152,313,669, plus strand): 5'-TCACTGTCACTGGCCTGACTACCGCTAGACCCCCGGTGTCCACGATCGCTGACTGCAGAT[G>A]AAGCTTGCCCGCGCCCAGTGGCTGAGTGTCTGGAGCTGTCTGCTGACTGCTGGTGGCCGG-3'
Protein context (NP_002007.1, residues 396-416): RHSATGRGQA[Ser406Leu]SAVSDRGHRG

ClinVar aggregate classification (germline): Conflicting classifications of pathogenicity. Review status: criteria provided, conflicting classifications (1 of 4 stars). 2 submissions from 2 submitters: Uncertain significance (1); Likely benign (1). Last evaluated 2025-10-01.

Conditions:
Ichthyosis vulgaris. Also called: ICHTHYOSIS SIMPLEX; Dominant ichthyosis vulgaris. Identifiers: MedGen C0079584, MONDO:0024304, OMIM 146700.

gnomAD v4.1: 166 of 1,614,006 alleles (0.01%); highest among the groups gnomAD compares: Middle Eastern, 0.43%; 1 homozygote.

Submissions (2):

CeGaT Center for Human Genetics Tuebingen
Classification: Likely benign. Last evaluated: 2025-10-01. Review status: criteria provided, single submitter. Criteria: CeGaT Center For Human Genetics Tuebingen Variant Classification Criteria Version 2. Collection method: clinical testing. Allele origin: germline. Affected: yes. Observed: 1 variant allele.
Comment: FLG: BP4

Department of Pathology and Laboratory Medicine, Sinai Health System
Classification: Uncertain significance for Ichthyosis vulgaris. Last evaluated: 2022-03-25. Review status: criteria provided, single submitter. Criteria: ACMG Guidelines, 2015. Collection method: research. Allele origin: germline.